The following is an entry in ClinVar:

ClinVar aggregate classification (germline): Benign/Likely benign. Review status: criteria provided, multiple submitters, no conflicts (2 of 4 stars). 6 submissions from 6 submitters: Benign (2); Likely benign (3). 1 of the submissions does not count toward it. Last evaluated 2026-01-29.

Conditions:
LZTR1-related disorder. Also called: LZTR1-related disorders; LZTR1-related condition.

Submissions (6):

Labcorp Genetics (formerly Invitae), Labcorp
Classification: Benign. Last evaluated: 2026-01-29. Review status: criteria provided, single submitter. Criteria: Invitae Variant Classification Sherloc (09022015). Collection method: clinical testing. Allele origin: germline.

Blueprint Genetics
Classification: Likely benign. Last evaluated: 2024-09-23. Review status: criteria provided, single submitter. Criteria: ACMG Guidelines, 2015. Collection method: clinical testing. Allele origin: germline.

Women's Health and Genetics/Laboratory Corporation of America, LabCorp
Classification: Benign. Last evaluated: 2019-08-26. Review status: criteria provided, single submitter. Criteria: LabCorp Variant Classification Summary - May 2015. Collection method: clinical testing. Allele origin: germline.
Comment: Variant summary: LZTR1 c.651+10_651+46del37 alters a non-conserved nucleotide region located close to a canonical splice site and therefore could affect mRNA splicing, leading to a significantly altered protein sequence. 4/4 computational tools predict no significant impact on normal splicing. However, these predictions have yet to be confirmed by functional studies. The variant allele was found at a frequency of 0.00014 in 249404 control chromosomes. The observed variant frequency is approximately 29 fold of the estimated maximal expected allele frequency for a pathogenic variant in LZTR1 causing Noonan Syndrome and Related Conditions phenotype (5e-06), strongly suggesting that the variant is benign. To our knowledge, no occurrence of c.651+10_651+46del37 in individuals affected with Noonan Syndrome and Related Conditions and no experimental evidence demonstrating its impact on protein function have been reported. Two clinical diagnostic laboratories have submitted clinical-significance assessments for this variant to ClinVar after 2014 without evidence for independent evaluation. All laboratories classified the variant as likely benign. Based on the evidence outlined above, the variant was classified as benign.

GeneDx
Classification: Likely benign. Last evaluated: 2017-06-20. Review status: criteria provided, single submitter. Criteria: GeneDx Variant Classification (06012015). Collection method: clinical testing. Allele origin: germline. Affected: yes.
Comment: This variant is considered likely benign or benign based on one or more of the following criteria: it is a conservative change, it occurs at a poorly conserved position in the protein, it is predicted to be benign by multiple in silico algorithms, and/or has population frequency not consistent with disease.

Genomic Diagnostic Laboratory, Division of Genomic Diagnostics, Children's Hospital of Philadelphia
Classification: Likely benign. Last evaluated: 2015-06-19. Review status: criteria provided, single submitter. Criteria: DGD Variant Analysis Guidelines. Collection method: clinical testing. Allele origin: unknown.

PreventionGenetics, part of Exact Sciences
Classification: Likely benign for LZTR1-related condition. Last evaluated: 2020-06-23. Review status: no assertion criteria provided. Collection method: clinical testing. Allele origin: germline. Not counted in ClinVar's aggregate classification.
Comment: This variant is classified as likely benign based on ACMG/AMP sequence variant interpretation guidelines (Richards et al. 2015 PMID: 25741868, with internal and published modifications).

NM_006767.4(LZTR1):c.651+10_651+46del

Gene: LZTR1 (leucine zipper like post translational regulator 1; plus strand). Cytogenetic location: 22q11.21.
Variant type: Deletion.
Coding change: c.651+10_651+46del on transcript NM_006767.4 (MANE Select); bases 10 to 46 of the intron after coding-DNA position 651, 37 bases deleted.
Molecular consequence: splice donor variant.
Genome position (GRCh38, 1-based): chr22:20,989,692-20,989,728, 37 bases deleted; deleting any 37 consecutive bases within chr22:20,989,677-20,989,728 gives the same sequence; the c. name uses the placement nearest the transcript's 3' end. GRCh37 (hg19): chr22:21,343,981-21,344,017.
Other names: c.651+10_651+46delGTGGGGAGCCAGGGCGCAGGTAGAGGAGGTGAGGGGC (NM_006767.3); c.646_651+31delGAGGAGGTGAGGGGCGTGGGGAGCCAGGGCGCAGGTA (NM_006767.3); c.651+10_651+46del (NM_006767.3).
Identifiers: ClinVar variation 218690 (VCV000218690.15), dbSNP rs541944601, ClinGen allele CA249117.